The following is an entry in ClinVar:

NM_004168.4(SDHA):c.1298C>T (p.Pro433Leu)

Gene: SDHA (succinate dehydrogenase complex flavoprotein subunit A; plus strand). Cytogenetic location: 5p15.33.
Variant type: single nucleotide variant.
Coding change: c.1298C>T on transcript NM_004168.4 (MANE Select); coding-DNA position 1298, C replaced by T.
Protein change: p.Pro433Leu; replaces proline 433 with leucine.
Molecular consequence: missense variant.
Genome position (GRCh38, 1-based): chr5:236,465, C>T. VCF-style: chr5-236465-C-T. GRCh37 (hg19) VCF-style: chr5-236580-C-T.
Other names: c.1154C>T, p.Pro385Leu (NM_001294332.2); c.1298C>T, p.Pro433Leu (NM_001330758.2); short protein forms P433L, P385L.
Identifiers: ClinVar variation 539650 (VCV000539650.15), dbSNP rs747488969, ClinGen allele CA3173185.

ClinVar aggregate classification (germline): Uncertain significance. Review status: criteria provided, multiple submitters, no conflicts (2 of 4 stars). 3 submissions from 3 submitters: Uncertain significance (3). Last evaluated 2026-01-25.

Conditions:
Mitochondrial complex II deficiency, nuclear type 1. Also called: SUCCINATE CoQ REDUCTASE DEFICIENCY. Identifiers: Orphanet 3208, MedGen C5700310, MONDO:0100294, OMIM 252011.
Pheochromocytoma/paraganglioma syndrome 5. Also called: Paragangliomas 5; SDHA-Related Hereditary Paraganglioma-Pheochromocytoma Syndrome. Identifiers: Orphanet 29072, MedGen C3279992, MONDO:0013602, OMIM 614165.
Hereditary cancer-predisposing syndrome. Also called: Neoplastic Syndromes, Hereditary; Tumor predisposition; Hereditary neoplastic syndrome; Hereditary Cancer Syndrome. Identifiers: Orphanet 140162, MedGen C0027672, MeSH D009386, MONDO:0015356.

Allele frequency attached by ClinVar (database versions not stated): ExAC 0.00001; gnomAD 0.00001; gnomAD exomes 0.00001; TOPMed 0.00001.
gnomAD v4.1: 14 of 1,613,814 alleles (0.00087%); highest among the groups gnomAD compares: Non-Finnish European, 0.0012%; no homozygotes.

Submissions (3):

Labcorp Genetics (formerly Invitae), Labcorp
Classification: Uncertain significance for Pheochromocytoma/paraganglioma syndrome 5; Mitochondrial complex II deficiency, nuclear type 1. Last evaluated: 2026-01-25. Review status: criteria provided, single submitter. Criteria: Invitae Variant Classification Sherloc (09022015). Collection method: clinical testing. Allele origin: germline.
Comment: This sequence change replaces proline, which is neutral and non-polar, with leucine, which is neutral and non-polar, at codon 433 of the SDHA protein (p.Pro433Leu). This variant is present in population databases (rs747488969, gnomAD 0.002%). This variant has not been reported in the literature in individuals affected with SDHA-related conditions. ClinVar contains an entry for this variant (Variation ID: 539650). Invitae Evidence Modeling of protein sequence and biophysical properties (such as structural, functional, and spatial information, amino acid conservation, physicochemical variation, residue mobility, and thermodynamic stability) has been performed for this missense variant. However, the output from this modeling did not meet the statistical confidence thresholds required to predict the impact of this variant on SDHA protein function. In summary, the available evidence is currently insufficient to determine the role of this variant in disease. Therefore, it has been classified as a Variant of Uncertain Significance.

Ambry Genetics
Classification: Uncertain significance for Hereditary cancer-predisposing syndrome. Last evaluated: 2025-08-05. Review status: criteria provided, single submitter. Criteria: Ambry Variant Classification Scheme 2023. Collection method: clinical testing. Allele origin: germline.
Comment: The p.P433L variant (also known as c.1298C>T), located in coding exon 10 of the SDHA gene, results from a C to T substitution at nucleotide position 1298. The proline at codon 433 is replaced by leucine, an amino acid with similar properties. This amino acid position is highly conserved in available vertebrate species. In addition, the in silico prediction for this alteration is inconclusive. Based on the available evidence, the clinical significance of this variant remains unclear.

GeneDx
Classification: Uncertain significance. Last evaluated: 2023-08-01. Review status: criteria provided, single submitter. Criteria: GeneDx Variant Classification Process June 2021. Collection method: clinical testing. Allele origin: germline. Affected: yes.
Comment: Not observed at significant frequency in large population cohorts (gnomAD); In silico analysis supports that this missense variant has a deleterious effect on protein structure/function; Has not been previously published as pathogenic or benign to our knowledge